The following is an entry in ClinVar:

NM_004608.4(TBX6):c.1175G>A (p.Gly392Glu)

Gene: TBX6 (T-box transcription factor 6; minus strand). Cytogenetic location: 16p11.2.
Variant type: single nucleotide variant.
Coding change: c.1175G>A on transcript NM_004608.4 (MANE Select); coding-DNA position 1175, G replaced by A.
Protein change: p.Gly392Glu; replaces glycine 392 with glutamic acid.
Molecular consequence: missense variant.
Genome position (GRCh38, 1-based): chr16:30,086,361, C>T on the plus strand (G>A on the coding strand, the complement: TBX6 is on the minus strand). VCF-style: chr16-30086361-C-T. GRCh37 (hg19) VCF-style: chr16-30097682-C-T.
Other names: short protein forms G392E.
Identifiers: ClinVar variation 4798232 (VCV004798232.1).

ClinVar aggregate classification (germline): Uncertain significance (1 of 4 stars; one submission).

Submission:

Labcorp Genetics (formerly Invitae), Labcorp
Classification: Uncertain significance. Last evaluated: 2025-05-22. Review status: criteria provided, single submitter. Criteria: Invitae Variant Classification Sherloc (09022015). Collection method: clinical testing. Allele origin: germline.
Comment: This sequence change replaces glycine, which is neutral and non-polar, with glutamic acid, which is acidic and polar, at codon 392 of the TBX6 protein (p.Gly392Glu). This variant is not present in population databases (gnomAD no frequency). This variant has not been reported in the literature in individuals affected with TBX6-related conditions. Invitae Evidence Modeling of protein sequence and biophysical properties (such as structural, functional, and spatial information, amino acid conservation, physicochemical variation, residue mobility, and thermodynamic stability) indicates that this missense variant is not expected to disrupt TBX6 protein function with a negative predictive value of 80%. In summary, the available evidence is currently insufficient to determine the role of this variant in disease. Therefore, it has been classified as a Variant of Uncertain Significance.